The following is an entry in ClinVar:

NM_000428.3(LTBP2):c.239C>G (p.Ala80Gly)

Gene: LTBP2 (latent transforming growth factor beta binding protein 2; minus strand). Cytogenetic location: 14q24.3.
Variant type: single nucleotide variant.
Coding change: c.239C>G on transcript NM_000428.3 (MANE Select); coding-DNA position 239, C replaced by G.
Protein change: p.Ala80Gly; replaces alanine 80 with glycine.
Molecular consequence: missense variant.
Genome position (GRCh38, 1-based): chr14:74,611,706, G>C on the plus strand (C>G on the coding strand, the complement: LTBP2 is on the minus strand). VCF-style: chr14-74611706-G-C. GRCh37 (hg19) VCF-style: chr14-75078409-G-C.
Other names: short protein forms A80G.
Identifiers: ClinVar variation 2133105 (VCV002133105.4), dbSNP rs2503025957, ClinGen allele CA390388310.

ClinVar aggregate classification (germline): Uncertain significance (1 of 4 stars; one submission).

Submission:

Labcorp Genetics (formerly Invitae), Labcorp
Classification: Uncertain significance. Last evaluated: 2022-05-03. Review status: criteria provided, single submitter. Criteria: Invitae Variant Classification Sherloc (09022015). Collection method: clinical testing. Allele origin: germline.
Comment: This sequence change replaces alanine, which is neutral and non-polar, with glycine, which is neutral and non-polar, at codon 80 of the LTBP2 protein (p.Ala80Gly). This variant is not present in population databases (gnomAD no frequency). This variant has not been reported in the literature in individuals affected with LTBP2-related conditions. Algorithms developed to predict the effect of missense changes on protein structure and function (SIFT, PolyPhen-2, Align-GVGD) all suggest that this variant is likely to be tolerated. In summary, the available evidence is currently insufficient to determine the role of this variant in disease. Therefore, it has been classified as a Variant of Uncertain Significance.